The following is an entry in ClinVar:

NM_002772.3(TMPRSS15):c.1428+1G>A

Gene: TMPRSS15 (transmembrane serine protease 15; minus strand). Cytogenetic location: 21q21.1.
Variant type: single nucleotide variant.
Coding change: c.1428+1G>A on transcript NM_002772.3 (MANE Select); the canonical splice donor site of the intron after coding-DNA position 1428, G replaced by A.
Molecular consequence: splice donor variant.
Genome position (GRCh38, 1-based): chr21:18,343,505, C>T on the plus strand (G>A on the coding strand, the complement: TMPRSS15 is on the minus strand). VCF-style: chr21-18343505-C-T. GRCh37 (hg19) VCF-style: chr21-19715822-C-T.
Other names: c.1428+1G>A (NM_001428057.1); c.1563+1G>A (NM_001428056.1).
Identifiers: ClinVar variation 4810742 (VCV004810742.1).

ClinVar aggregate classification (germline): Likely pathogenic (1 of 4 stars; one submission).

Submission:

Labcorp Genetics (formerly Invitae), Labcorp
Classification: Likely pathogenic. Last evaluated: 2026-01-19. Review status: criteria provided, single submitter. Criteria: Invitae Variant Classification Sherloc (09022015). Collection method: clinical testing. Allele origin: germline.
Comment: This sequence change affects a donor splice site in intron 12 of the TMPRSS15 gene. It is expected to disrupt RNA splicing. Variants that disrupt the donor or acceptor splice site typically lead to a loss of protein function (PMID: 16199547), and loss-of-function variants in TMPRSS15 are known to be pathogenic (PMID: 11719902). This variant is not present in population databases (gnomAD no frequency). This variant has not been reported in the literature in individuals affected with TMPRSS15-related conditions. Algorithms developed to predict the effect of sequence changes on RNA splicing suggest that this variant may disrupt the consensus splice site. In summary, the currently available evidence indicates that the variant is pathogenic, but additional data are needed to prove that conclusively. Therefore, this variant has been classified as Likely Pathogenic.

Literature cited by the submitters: PubMed 16199547; PubMed 11719902.